The following is an entry in ClinVar:

ClinVar aggregate classification (germline): Likely pathogenic (1 of 4 stars; one submission).

Submission:

GeneDx
Classification: Likely pathogenic. Last evaluated: 2020-03-05. Review status: criteria provided, single submitter. Criteria: GeneDx Variant Classification Process June 2021. Collection method: clinical testing. Allele origin: germline. Affected: yes.
Comment: Not observed in large population cohorts (Lek et al., 2016); Missense variants in this gene are often considered pathogenic (Stenson et al., 2014); In silico analysis supports that this missense variant has a deleterious effect on protein structure/function; Has not been previously published as pathogenic or benign to our knowledge

NM_006086.4(TUBB3):c.728C>G (p.Pro243Arg)

Gene: TUBB3 (tubulin beta 3 class III; plus strand). Cytogenetic location: 16q24.3.
Variant type: single nucleotide variant.
Coding change: c.728C>G on transcript NM_006086.4 (MANE Select); coding-DNA position 728, C replaced by G.
Protein change: p.Pro243Arg; replaces proline 243 with arginine.
Molecular consequence: missense variant.
Genome position (GRCh38, 1-based): chr16:89,935,179, C>G. VCF-style: chr16-89935179-C-G. GRCh37 (hg19) VCF-style: chr16-90001587-C-G.
Other names: c.512C>G, p.Pro171Arg (NM_001197181.2); short protein forms P171R, P243R.
Identifiers: ClinVar variation 1218943 (VCV001218943.3), dbSNP rs587784506, ClinGen allele CA397475209.